The following is an entry in ClinVar:

NM_006526.3(ZNF217):c.2769C>T (p.Ser923=)

Gene: ZNF217 (zinc finger protein 217; minus strand). Cytogenetic location: 20q13.2.
Variant type: single nucleotide variant.
Coding change: c.2769C>T on transcript NM_006526.3 (MANE Select); coding-DNA position 2769, C replaced by T.
Protein change: p.Ser923=; no amino-acid change (serine 923 retained).
Molecular consequence: synonymous variant.
Genome position (GRCh38, 1-based): chr20:53,575,995, G>A on the plus strand (C>T on the coding strand, the complement: ZNF217 is on the minus strand). VCF-style: chr20-53575995-G-A. GRCh37 (hg19) VCF-style: chr20-52192534-G-A.
Other names: c.2769C>T, p.Ser923= (NM_001385034.1).
Identifiers: ClinVar variation 2652418 (VCV002652418.24), dbSNP rs199644149, ClinGen allele CA9914424.

ClinVar aggregate classification (germline): Likely benign (1 of 4 stars; one submission).

Allele frequency attached by ClinVar (database versions not stated): ESP Exome Variant Server 0.00023; TOPMed 0.00035; gnomAD 0.00036; gnomAD exomes 0.00044; 1000 Genomes Project 30x 0.00062; 1000 Genomes Project 0.00080; ExAC 0.00081.

Submission:

CeGaT Center for Human Genetics Tuebingen
Classification: Likely benign. Last evaluated: 2025-06-01. Review status: criteria provided, single submitter. Criteria: CeGaT Center For Human Genetics Tuebingen Variant Classification Criteria Version 2. Collection method: clinical testing. Allele origin: germline. Affected: yes. Observed: 2 variant alleles.
Comment: ZNF217: BP4, BP7